The following is an entry in ClinVar:

ClinVar aggregate classification (germline): Uncertain significance (1 of 4 stars; one submission).

Conditions:
Cardiovascular phenotype. Identifiers: MedGen CN230736.

Submission:

Ambry Genetics
Classification: Uncertain significance for Cardiovascular phenotype. Last evaluated: 2025-10-27. Review status: criteria provided, single submitter. Criteria: Ambry Variant Classification Scheme 2023. Collection method: clinical testing. Allele origin: germline.
Comment: The p.S3193N variant (also known as c.9578G>A), located in coding exon 2 of the ZNF469 gene, results from a G to A substitution at nucleotide position 9578. The serine at codon 3193 is replaced by asparagine, an amino acid with highly similar properties. This amino acid position is conserved. In addition, this alteration is predicted to be tolerated by in silico analysis. Based on the available evidence, the clinical significance of this variant remains unclear.

NM_001127464.1:c.9578G>A

Gene: ZNF469 (zinc finger protein 469; plus strand).
Variant type: single nucleotide variant.
Identifiers: ClinVar variation 4615480 (VCV004615480.1).